The following is an entry in ClinVar:

ClinVar aggregate classification (germline): Conflicting classifications of pathogenicity. Review status: criteria provided, conflicting classifications (1 of 4 stars). 7 submissions from 7 submitters: Uncertain significance (6); Likely benign (1). Last evaluated 2026-06-12.

Conditions:
Lynch syndrome 4 (LYNCH4). Also called: Colorectal cancer, hereditary nonpolyposis, type 4; Hereditary non-polyposis colorectal cancer, type 4. Identifiers: Orphanet 144, MedGen C1838333, MONDO:0013699, OMIM 614337. Disease mechanism: loss of function.
Hereditary nonpolyposis colorectal neoplasms. Identifiers: MedGen C0009405, MeSH D003123.
Hereditary cancer-predisposing syndrome. Also called: Tumor predisposition; Neoplastic Syndromes, Hereditary; Hereditary Cancer Syndrome; Hereditary neoplastic syndrome. Identifiers: Orphanet 140162, MedGen C0027672, MeSH D009386, MONDO:0015356.
Lynch syndrome. Identifiers: Orphanet 144, MedGen C4552100, MONDO:0005835. Disease mechanism: loss of function.

Allele frequency attached by ClinVar (database versions not stated): gnomAD exomes below 0.00001; TOPMed 0.00001.

Submissions (7):

Women's Health and Genetics/Laboratory Corporation of America, LabCorp
Classification: Uncertain significance. Last evaluated: 2026-06-12. Review status: criteria provided, single submitter. Criteria: LabCorp Variant Classification Summary - May 2015. Collection method: clinical testing. Allele origin: germline.
Comment: Variant summary: PMS2 c.1465G>A (p.Glu489Lys) results in a conservative amino acid change in the encoded protein sequence. Algorithms developed to predict the effect of missense changes on protein structure and function all suggest that this variant is likely to be tolerated. The variant was absent in 251470 control chromosomes. The available data on variant occurrences in the general population are insufficient to allow any conclusion about variant significance. c.1465G>A has been observed in individual(s) affected with breast or ovarian cancer (Martin_2024). These report(s) do not provide unequivocal conclusions about association of the variant with disease. To our knowledge, no experimental evidence demonstrating an impact on protein function has been reported. The following publication has been ascertained in the context of this evaluation (PMID: 38566764). ClinVar contains an entry for this variant (Variation ID: 232901). Based on the evidence outlined above, the variant was classified as uncertain significance.

Labcorp Genetics (formerly Invitae), Labcorp
Classification: Uncertain significance for Hereditary nonpolyposis colorectal neoplasms. Last evaluated: 2025-07-21. Review status: criteria provided, single submitter. Criteria: Invitae Variant Classification Sherloc (09022015). Collection method: clinical testing. Allele origin: germline.
Comment: This sequence change replaces glutamic acid, which is acidic and polar, with lysine, which is basic and polar, at codon 489 of the PMS2 protein (p.Glu489Lys). This variant is not present in population databases (gnomAD no frequency). This variant has not been reported in the literature in individuals affected with PMS2-related conditions. ClinVar contains an entry for this variant (Variation ID: 232901). Invitae Evidence Modeling incorporating data from in vitro experimental studies (internal data) indicates that this missense variant is not expected to disrupt PMS2 function with a negative predictive value of 95%. In summary, the available evidence is currently insufficient to determine the role of this variant in disease. Therefore, it has been classified as a Variant of Uncertain Significance.

Ambry Genetics
Classification: Likely benign for Hereditary cancer-predisposing syndrome. Last evaluated: 2025-02-19. Review status: criteria provided, single submitter. Criteria: Ambry Variant Classification Scheme 2023. Collection method: clinical testing. Allele origin: germline.

GeneDx
Classification: Uncertain significance. Last evaluated: 2024-03-05. Review status: criteria provided, single submitter. Criteria: GeneDx Variant Classification Process June 2021. Collection method: clinical testing. Allele origin: germline. Affected: yes.
Comment: Not observed at significant frequency in large population cohorts (gnomAD); In silico analysis supports that this missense variant does not alter protein structure/function; Has not been previously published as pathogenic or benign to our knowledge

Color Diagnostics, LLC DBA Color Health
Classification: Uncertain significance for Hereditary cancer-predisposing syndrome. Last evaluated: 2023-12-05. Review status: criteria provided, single submitter. Criteria: ACMG Guidelines, 2015. Collection method: clinical testing. Allele origin: germline.
Comment: This missense variant replaces glutamic acid with lysine at codon 489 of the PMS2 protein. Computational prediction suggests that this variant may not impact protein structure and function (internally defined REVEL score threshold <= 0.5, PMID: 27666373). To our knowledge, functional studies have not been reported for this variant. This variant has not been reported in individuals affected with PMS2-related disorders in the literature. This variant has not been identified in the general population by the Genome Aggregation Database (gnomAD). The available evidence is insufficient to determine the role of this variant in disease conclusively. Therefore, this variant is classified as a Variant of Uncertain Significance.

Baylor Genetics
Classification: Uncertain significance for Lynch syndrome 4. Last evaluated: 2023-11-03. Review status: criteria provided, single submitter. Criteria: ACMG Guidelines, 2015. Collection method: clinical testing. Allele origin: unknown.

All of Us Research Program, National Institutes of Health
Classification: Uncertain significance for Lynch syndrome. Last evaluated: 2023-04-27. Review status: criteria provided, single submitter. Criteria: ACMG Guidelines, 2015. Collection method: clinical testing. Allele origin: germline. Inheritance: Autosomal dominant inheritance. Observed: 1 variant allele, 1 heterozygote.
Comment: This study involves interpretation of variants in research participants for the purpose of population health screening. Participant phenotype was not available at the time of variant classification. Additional details can be found in publication PMID: 35346344, PMCID: PMC8962531

Literature cited by the submitters: PubMed 38566764 (cited by Women's Health and Genetics/Laboratory Corporation of America, LabCorp).

NM_000535.7(PMS2):c.1465G>A (p.Glu489Lys)

Gene: PMS2 (PMS1 homolog 2, mismatch repair system component; minus strand). Cytogenetic location: 7p22.1.
Variant type: single nucleotide variant.
Coding change: c.1465G>A on transcript NM_000535.7 (MANE Select); coding-DNA position 1465, G replaced by A.
Protein change: p.Glu489Lys; replaces glutamic acid 489 with lysine.
Molecular consequence: missense variant. On other transcripts: non-coding transcript variant (1).
Genome position (GRCh38, 1-based): chr7:5,987,300, C>T on the plus strand (G>A on the coding strand, the complement: PMS2 is on the minus strand). VCF-style: chr7-5987300-C-T. GRCh37 (hg19) VCF-style: chr7-6026931-C-T.
Other names: c.1060G>A, p.Glu354Lys (NM_001322003.2, NM_001322004.2, NM_001322005.2 and 1 more transcripts); c.1309G>A, p.Glu437Lys (NM_001322006.2); c.1147G>A, p.Glu383Lys (NM_001322007.2, NM_001322008.2); c.904G>A, p.Glu302Lys (NM_001322010.2); c.532G>A, p.Glu178Lys (NM_001322011.2, NM_001322012.2); c.892G>A, p.Glu298Lys (NM_001322013.2); c.1465G>A, p.Glu489Lys (NM_001322014.2); c.1156G>A, p.Glu386Lys (NM_001322015.2); short protein forms E489K, E354K, E298K, E302K, E437K, E178K, E383K, E386K.
Identifiers: ClinVar variation 232901 (VCV000232901.25), dbSNP rs876660060, ClinGen allele CA10578675.